The following is an entry in ClinVar:

NM_001099274.3(TINF2):c.910G>A (p.Glu304Lys)

Gene: TINF2 (TERF1 interacting nuclear factor 2; minus strand). Cytogenetic location: 14q12.
Variant type: single nucleotide variant.
Coding change: c.910G>A on transcript NM_001099274.3 (MANE Select); coding-DNA position 910, G replaced by A.
Protein change: p.Glu304Lys; replaces glutamic acid 304 with lysine.
Molecular consequence: missense variant.
Genome position (GRCh38, 1-based): chr14:24,240,570, C>T on the plus strand (G>A on the coding strand, the complement: TINF2 is on the minus strand). VCF-style: chr14-24240570-C-T. GRCh37 (hg19) VCF-style: chr14-24709776-C-T.
Other names: c.805G>A, p.Glu269Lys (NM_001363668.2); c.910G>A, p.Glu304Lys (NM_012461.3); short protein forms E304K, E269K.
Identifiers: ClinVar variation 571494 (VCV000571494.8), dbSNP rs1566366788, ClinGen allele CA389224866.

ClinVar aggregate classification (germline): Uncertain significance (1 of 4 stars; one submission).

Conditions:
Dyskeratosis congenita. Identifiers: Orphanet 1775, MedGen C0265965, MONDO:0015780.

Submission:

Labcorp Genetics (formerly Invitae), Labcorp
Classification: Uncertain significance for Dyskeratosis congenita. Last evaluated: 2022-08-31. Review status: criteria provided, single submitter. Criteria: Invitae Variant Classification Sherloc (09022015). Collection method: clinical testing. Allele origin: germline.
Comment: This sequence change replaces glutamic acid, which is acidic and polar, with lysine, which is basic and polar, at codon 304 of the TINF2 protein (p.Glu304Lys). In summary, the available evidence is currently insufficient to determine the role of this variant in disease. Therefore, it has been classified as a Variant of Uncertain Significance. Algorithms developed to predict the effect of missense changes on protein structure and function output the following: SIFT: "Tolerated"; PolyPhen-2: "Possibly Damaging"; Align-GVGD: "Class C0". The lysine amino acid residue is found in multiple mammalian species, which suggests that this missense change does not adversely affect protein function. ClinVar contains an entry for this variant (Variation ID: 571494). This variant has not been reported in the literature in individuals affected with TINF2-related conditions. This variant is not present in population databases (gnomAD no frequency).